The following is an entry in ClinVar:

NM_014112.5(TRPS1):c.2959C>T (p.Gln987Ter)

Gene: TRPS1 (transcriptional repressor GATA binding 1; minus strand). Cytogenetic location: 8q23.3.
Variant type: single nucleotide variant.
Coding change: c.2959C>T on transcript NM_014112.5 (MANE Select); coding-DNA position 2959, C replaced by T.
Protein change: p.Gln987Ter; replaces glutamine 987 with a stop codon.
Molecular consequence: nonsense.
Genome position (GRCh38, 1-based): chr8:115,414,949, G>A on the plus strand (C>T on the coding strand, the complement: TRPS1 is on the minus strand). VCF-style: chr8-115414949-G-A. GRCh37 (hg19) VCF-style: chr8-116427177-G-A.
Other names: c.2932C>T, p.Gln978Ter (NM_001282902.3); c.2938C>T, p.Gln980Ter (NM_001282903.3); c.2920C>T, p.Gln974Ter (NM_001330599.2); short protein forms Q974*, Q978*, Q980*, Q987*.
Identifiers: ClinVar variation 4056837 (VCV004056837.1).

ClinVar aggregate classification (germline): Pathogenic (1 of 4 stars; one submission).

Submission:

GeneDx
Classification: Pathogenic. Last evaluated: 2025-01-10. Review status: criteria provided, single submitter. Criteria: GeneDx Variant Classification Process June 2021. Collection method: clinical testing. Allele origin: germline. Affected: yes.
Comment: Nonsense variant predicted to result in protein truncation in a gene for which loss-of-function is a known mechanism of disease; Not observed at significant frequency in large population cohorts (gnomAD); Has not been previously published as pathogenic or benign to our knowledge